The following is an entry in ClinVar:

ClinVar aggregate classification (germline): Uncertain significance (1 of 4 stars; one submission).

Submission:

Labcorp Genetics (formerly Invitae), Labcorp
Classification: Uncertain significance. Last evaluated: 2021-06-02. Review status: criteria provided, single submitter. Criteria: Invitae Variant Classification Sherloc (09022015). Collection method: clinical testing. Allele origin: germline.
Comment: This sequence change replaces methionine with lysine at codon 352 of the CTNNA1 protein (p.Met352Lys). The methionine residue is highly conserved and there is a moderate physicochemical difference between methionine and lysine. This variant is not present in population databases (ExAC no frequency). This variant has not been reported in the literature in individuals with CTNNA1-related conditions. Algorithms developed to predict the effect of missense changes on protein structure and function are either unavailable or do not agree on the potential impact of this missense change (SIFT: "Deleterious"; PolyPhen-2: "Benign"; Align-GVGD: "Class C0"). In summary, the available evidence is currently insufficient to determine the role of this variant in disease. Therefore, it has been classified as a Variant of Uncertain Significance.

NM_001903.5(CTNNA1):c.1055T>A (p.Met352Lys)

Gene: CTNNA1 (catenin alpha 1; plus strand). Cytogenetic location: 5q31.2.
Variant type: single nucleotide variant.
Coding change: c.1055T>A on transcript NM_001903.5 (MANE Select); coding-DNA position 1055, T replaced by A.
Protein change: p.Met352Lys; replaces methionine 352 with lysine.
Molecular consequence: missense variant.
Genome position (GRCh38, 1-based): chr5:138,827,711, T>A. VCF-style: chr5-138827711-T-A. GRCh37 (hg19) VCF-style: chr5-138163400-T-A.
Other names: c.1055T>A, p.Met352Lys (NM_001290307.3, NM_001323982.2, NM_001323983.1 and 3 more transcripts); c.746T>A, p.Met249Lys (NM_001290309.3); c.686T>A, p.Met229Lys (NM_001290310.3); short protein forms M229K, M249K, M352K.
Identifiers: ClinVar variation 1510322 (VCV001510322.8), dbSNP rs2149786107, ClinGen allele CA361131323.
Genomic context (GRCh38, chr5:138,827,711, plus strand): 5'-GAATTGTGGCAGAGTGTAATGCTGTCCGCCAGGCCCTGCAGGACCTGCTTTCGGAGTACA[T>A]GGGCAATGTGAGTTTGACAGCTTTTCTTTGAAGTAAGATATTTATGGATGAGGAGTTTTC-3'
Protein context (NP_001894.2, residues 342-362): QALQDLLSEY[Met352Lys]GNAGRKERSD